The following is an entry in ClinVar:

NM_005052.3(RAC3):c.36-1G>A

Gene: RAC3 (Rac family small GTPase 3; plus strand). Cytogenetic location: 17q25.3.
Variant type: single nucleotide variant.
Coding change: c.36-1G>A on transcript NM_005052.3 (MANE Select); the canonical splice acceptor site of the intron before coding-DNA position 36, G replaced by A.
Molecular consequence: splice acceptor variant.
Genome position (GRCh38, 1-based): chr17:82,032,386, G>A. VCF-style: chr17-82032386-G-A. GRCh37 (hg19) VCF-style: chr17-79990262-G-A.
Other names: c.36-1G>A (NM_001316307.2).
Identifiers: ClinVar variation 4883321 (VCV004883321.2).

ClinVar aggregate classification (germline): Uncertain significance (1 of 4 stars; one submission).

Submission:

Dasa
Classification: Uncertain significance. Last evaluated: 2025-11-14. Review status: criteria provided, single submitter. Criteria: DASA Assertion Criteria. Collection method: clinical testing. Allele origin: germline.
Comment: NM_005052.3(RAC3):c.36-1G>A affects a canonical splice site and is predicted to disrupt normal RNA splicing. This variant is absent from population databases. Computational prediction algorithms are consistent with a deleterious effect. The currently available literature and clinical evidence are not sufficient to establish a definitive association between this variant and the reported condition. Therefore, this variant is classified as a variant of uncertain significance.